The following is an entry in ClinVar:

NM_004132.5(HABP2):c.183C>T (p.His61=)

Gene: HABP2 (hyaluronan binding protein 2; plus strand). Cytogenetic location: 10q25.3.
Variant type: single nucleotide variant.
Coding change: c.183C>T on transcript NM_004132.5 (MANE Select); coding-DNA position 183, C replaced by T.
Protein change: p.His61=; no amino-acid change (histidine 61 retained).
Molecular consequence: synonymous variant.
Genome position (GRCh38, 1-based): chr10:113,574,365, C>T. VCF-style: chr10-113574365-C-T. GRCh37 (hg19) VCF-style: chr10-115334124-C-T.
Other names: c.105C>T, p.His35= (NM_001177660.3).
Identifiers: ClinVar variation 298898 (VCV000298898.11), dbSNP rs3740530, ClinGen allele CA5693494.
Genomic context (GRCh38, chr10:113,574,365, plus strand): 5'-GTATGATTACAGCTACGAGGATTATAATCAGGAAGAGAACACCAGTAGCACACTTACCCA[C>T]GCTGAGAATCCTGACTGGTACTACACTGAGGACCAAGCTGGTAGGTACCAAATCTCTTTC-3'
Protein context (NP_004123.1, residues 51-71): QEENTSSTLT[His61=]AENPDWYYTE

ClinVar aggregate classification (germline): Benign. Review status: criteria provided, multiple submitters, no conflicts (2 of 4 stars). 4 submissions from 4 submitters: Benign (3). 1 of the submissions does not count toward it. Last evaluated 2019-01-15.

Conditions:
HABP2-related disorder. Also called: HABP2-related condition.
Factor VII-activating protease marburg I. Identifiers: MedGen CN068943.

Allele frequency attached by ClinVar (database versions not stated): 1000 Genomes Project 30x 0.53389; 1000 Genomes Project 0.53454; ESP Exome Variant Server 0.54406; gnomAD 0.55025 and 0.55455; TOPMed 0.55280; ExAC 0.62349; gnomAD exomes 0.62784 and 0.63793.
gnomAD v4.1: 1,002,822 of 1,594,766 alleles (63%); highest among the groups gnomAD compares: Admixed American, 70%; 320,698 homozygotes.

Submissions (4):

GeneDx
Classification: Benign. Last evaluated: 2019-01-15. Review status: criteria provided, single submitter. Criteria: GeneDx Variant Classification Process June 2021. Collection method: clinical testing. Allele origin: germline. Affected: yes.

Illumina Laboratory Services, Illumina
Classification: Benign for Factor VII Marburg I Variant Thrombophilia. Last evaluated: 2018-01-13. Review status: criteria provided, single submitter. Criteria: ICSL Variant Classification Criteria 13 December 2019. Collection method: clinical testing. Allele origin: germline.
Comment: This variant was observed in the ICSL laboratory as part of a predisposition screen in an ostensibly healthy population. It had not been previously curated by ICSL or reported in the Human Gene Mutation Database (HGMD: prior to June 1st, 2018), and was therefore a candidate for classification through an automated scoring system. Utilizing variant allele frequency, disease prevalence and penetrance estimates, and inheritance mode, an automated score was calculated to assess if this variant is too frequent to cause the disease. Based on the score and internal cut-off values, a variant classified as benign is not then subjected to further curation. The score for this variant resulted in a classification of benign for this disease.

Breakthrough Genomics
Classification: Benign. Review status: criteria provided, single submitter. Criteria: ACMG Guidelines, 2015. Collection method: not provided. Allele origin: germline. Inheritance: Autosomal dominant inheritance. Affected: yes.

PreventionGenetics, part of Exact Sciences
Classification: Benign for HABP2-related condition. Last evaluated: 2019-06-05. Review status: no assertion criteria provided. Collection method: clinical testing. Allele origin: germline. Not counted in ClinVar's aggregate classification.
Comment: This variant is classified as benign based on ACMG/AMP sequence variant interpretation guidelines (Richards et al. 2015 PMID: 25741868, with internal and published modifications).